The following is an entry in ClinVar:

NM_003384.3(VRK1):c.308G>A (p.Arg103His)

Gene: VRK1 (VRK serine/threonine kinase 1; plus strand). Cytogenetic location: 14q32.2.
Variant type: single nucleotide variant.
Coding change: c.308G>A on transcript NM_003384.3 (MANE Select); coding-DNA position 308, G replaced by A.
Protein change: p.Arg103His; replaces arginine 103 with histidine.
Molecular consequence: missense variant.
Genome position (GRCh38, 1-based): chr14:96,847,278, G>A. VCF-style: chr14-96847278-G-A. GRCh37 (hg19) VCF-style: chr14-97313615-G-A.
Other names: short protein forms R103H.
Identifiers: ClinVar variation 664857 (VCV000664857.5), dbSNP rs779386449, ClinGen allele CA7338936.

ClinVar aggregate classification (germline): Uncertain significance. Review status: criteria provided, single submitter (1 of 4 stars). 2 submissions from 2 submitters: Uncertain significance (1). 1 of the submissions does not count toward it. Last evaluated 2022-07-25.

Conditions:
Congenital pontocerebellar hypoplasia type 1. Also called: Pontocerebellar hypoplasia type 1. Identifiers: Orphanet 2254, MedGen C5442006, MONDO:0016396.
Pontocerebellar hypoplasia type 1A (PCH1A). Also called: PONTOCEREBELLAR HYPOPLASIA WITH ANTERIOR HORN CELL DISEASE; PONTOCEREBELLAR HYPOPLASIA WITH INFANTILE SPINAL MUSCULAR ATROPHY. Identifiers: Orphanet 2254, Orphanet 88616, MedGen C1843504, MONDO:0011866, OMIM 607596.

Allele frequency attached by ClinVar (database versions not stated): ExAC 0.00001; gnomAD exomes 0.00001 and 0.00002; gnomAD 0.00002.
gnomAD v4.1: 32 of 1,613,490 alleles (0.002%); highest among the groups gnomAD compares: East Asian, 0.04%; no homozygotes.

Submissions (2):

Labcorp Genetics (formerly Invitae), Labcorp
Classification: Uncertain significance for Pontocerebellar hypoplasia type 1A. Last evaluated: 2022-07-25. Review status: criteria provided, single submitter. Criteria: Invitae Variant Classification Sherloc (09022015). Collection method: clinical testing. Allele origin: germline.
Comment: This sequence change replaces arginine, which is basic and polar, with histidine, which is basic and polar, at codon 103 of the VRK1 protein (p.Arg103His). This variant is present in population databases (rs779386449, gnomAD 0.01%). This variant has not been reported in the literature in individuals affected with VRK1-related conditions. ClinVar contains an entry for this variant (Variation ID: 664857). Algorithms developed to predict the effect of missense changes on protein structure and function output the following: SIFT: "Tolerated"; PolyPhen-2: "Benign"; Align-GVGD: "Class C0". The histidine amino acid residue is found in multiple mammalian species, which suggests that this missense change does not adversely affect protein function. In summary, the available evidence is currently insufficient to determine the role of this variant in disease. Therefore, it has been classified as a Variant of Uncertain Significance.

Natera, Inc.
Classification: Uncertain significance for Pontocerebellar hypoplasia type 1. Last evaluated: 2020-05-27. Review status: no assertion criteria provided. Collection method: clinical testing. Allele origin: germline. Not counted in ClinVar's aggregate classification.